The following is an entry in ClinVar:

NM_003079.5(SMARCE1):c.540T>A (p.Asp180Glu)

Gene: SMARCE1 (SWI/SNF related BAF chromatin remodeling complex subunit E1; minus strand). Cytogenetic location: 17q21.2.
Variant type: single nucleotide variant.
Coding change: c.540T>A on transcript NM_003079.5 (MANE Select); coding-DNA position 540, T replaced by A.
Protein change: p.Asp180Glu; replaces aspartic acid 180 with glutamic acid.
Molecular consequence: missense variant.
Genome position (GRCh38, 1-based): chr17:40,635,932, A>T on the plus strand (T>A on the coding strand, the complement: SMARCE1 is on the minus strand). VCF-style: chr17-40635932-A-T. GRCh37 (hg19) VCF-style: chr17-38792184-A-T.
Other names: short protein forms D180E.
Identifiers: ClinVar variation 4842265 (VCV004842265.1).

ClinVar aggregate classification (germline): Uncertain significance (1 of 4 stars; one submission).

Conditions:
Hereditary cancer-predisposing syndrome. Also called: Neoplastic Syndromes, Hereditary; Tumor predisposition; Hereditary Cancer Syndrome; Hereditary neoplastic syndrome. Identifiers: Orphanet 140162, MedGen C0027672, MeSH D009386, MONDO:0015356.

Submission:

Ambry Genetics
Classification: Uncertain significance for Hereditary cancer-predisposing syndrome. Last evaluated: 2025-12-22. Review status: criteria provided, single submitter. Criteria: Ambry Variant Classification Scheme 2023. Collection method: clinical testing. Allele origin: germline.
Comment: The p.D180E variant (also known as c.540T>A), located in coding exon 6 of the SMARCE1 gene, results from a T to A substitution at nucleotide position 540. The aspartic acid at codon 180 is replaced by glutamic acid, an amino acid with highly similar properties. This amino acid position is conserved. In addition, this alteration is predicted to be tolerated by in silico analysis. Based on the available evidence, the clinical significance of this variant remains unclear.